The following is an entry in ClinVar:

NM_006080.3(SEMA3A):c.698C>T (p.Ser233Leu)

Gene: SEMA3A (semaphorin 3A; minus strand). Cytogenetic location: 7q21.11.
Variant type: single nucleotide variant.
Coding change: c.698C>T on transcript NM_006080.3 (MANE Select); coding-DNA position 698, C replaced by T.
Protein change: p.Ser233Leu; replaces serine 233 with leucine.
Molecular consequence: missense variant.
Genome position (GRCh38, 1-based): chr7:84,014,321, G>A on the plus strand (C>T on the coding strand, the complement: SEMA3A is on the minus strand). VCF-style: chr7-84014321-G-A. GRCh37 (hg19) VCF-style: chr7-83643637-G-A.
Other names: short protein forms S233L.
Identifiers: ClinVar variation 4999395 (VCV004999395.1).

ClinVar aggregate classification (germline): Uncertain significance (1 of 4 stars; one submission).

Conditions:
SEMA3A-related disorder. Also called: SEMA3A-related condition.

Submission:

PreventionGenetics, part of Exact Sciences
Classification: Uncertain significance for SEMA3A-related condition. Last evaluated: 2026-08-15. Review status: criteria provided, single submitter. Criteria: ACMG Guidelines, 2015. Collection method: clinical testing. Allele origin: germline.
Comment: The SEMA3A c.698C>T variant is predicted to result in the amino acid substitution p.Ser233Leu. To our knowledge, this variant has not been reported in the literature or in a large population database (gnomAD), indicating this variant is rare. At this time, the clinical significance of this variant is uncertain due to the absence of conclusive functional and genetic evidence.